The following is an entry in ClinVar:

ClinVar aggregate classification (germline): Uncertain significance (1 of 4 stars; one submission).

Allele frequency attached by ClinVar (database versions not stated): gnomAD exomes below 0.00001; TOPMed below 0.00001; ExAC 0.00001; gnomAD 0.00001; ESP Exome Variant Server 0.00008; 1000 Genomes Project 30x 0.00016; 1000 Genomes Project 0.00020.
gnomAD v4.1: 4 of 1,614,104 alleles (0.00025%); highest among the groups gnomAD compares: Admixed American, 0.0033%; no homozygotes.

Submission:

Labcorp Genetics (formerly Invitae), Labcorp
Classification: Uncertain significance. Last evaluated: 2022-02-05. Review status: criteria provided, single submitter. Criteria: Invitae Variant Classification Sherloc (09022015). Collection method: clinical testing. Allele origin: germline.
Comment: This variant has not been reported in the literature in individuals affected with MTOR-related conditions. This variant is present in population databases (rs146446463, gnomAD 0.003%). This sequence change affects codon 2388 of the MTOR mRNA. It is a 'silent' change, meaning that it does not change the encoded amino acid sequence of the MTOR protein. This variant also falls at the last nucleotide of exon 52, which is part of the consensus splice site for this exon. Variants that disrupt the consensus splice site are a relatively common cause of aberrant splicing (PMID: 17576681, 9536098). Algorithms developed to predict the effect of sequence changes on RNA splicing suggest that this variant may disrupt the consensus splice site. In summary, the available evidence is currently insufficient to determine the role of this variant in disease. Therefore, it has been classified as a Variant of Uncertain Significance.

Literature cited by the submitters: PubMed 17576681; PubMed 9536098.

NM_004958.4(MTOR):c.7164G>A (p.Glu2388=)

Gene: MTOR (mechanistic target of rapamycin kinase; minus strand). Cytogenetic location: 1p36.22.
Variant type: single nucleotide variant.
Coding change: c.7164G>A on transcript NM_004958.4 (MANE Select); coding-DNA position 7164, G replaced by A.
Protein change: p.Glu2388=; no amino-acid change (glutamic acid 2388 retained).
Molecular consequence: synonymous variant.
Genome position (GRCh38, 1-based): chr1:11,114,813, C>T on the plus strand (G>A on the coding strand, the complement: MTOR is on the minus strand). VCF-style: chr1-11114813-C-T. GRCh37 (hg19) VCF-style: chr1-11174870-C-T.
Other names: c.7164G>A, p.Glu2388= (NM_001386500.1); c.5916G>A, p.Glu1972= (NM_001386501.1).
Identifiers: ClinVar variation 1519256 (VCV001519256.8), dbSNP rs146446463, ClinGen allele CA588923.